The following is an entry in ClinVar:

ClinVar aggregate classification (germline): Benign/Likely benign. Review status: criteria provided, multiple submitters, no conflicts (2 of 4 stars). 8 submissions from 8 submitters: Benign (6); Likely benign (1). 1 of the submissions does not count toward it. Last evaluated 2026-01-31.

Conditions:
Fanconi anemia (FA). Also called: Fanconi's anemia. Identifiers: Orphanet 84, MedGen C0015625, MeSH D005199, MONDO:0019391.
Fanconi anemia complementation group A (FANCA). Also called: Fanconi anemia, group A; FANCA-Related Fanconi Anemia. Identifiers: Orphanet 84, MedGen C3469521, MONDO:0009215, OMIM 227650.

Allele frequency attached by ClinVar (database versions not stated): gnomAD exomes 0.00062; 1000 Genomes Project 0.00479; gnomAD 0.00509; 1000 Genomes Project 30x 0.00562; ESP Exome Variant Server 0.00573; TOPMed 0.00634.

Submissions (8):

Labcorp Genetics (formerly Invitae), Labcorp
Classification: Benign for Fanconi anemia. Last evaluated: 2026-01-31. Review status: criteria provided, single submitter. Criteria: Invitae Variant Classification Sherloc (09022015). Collection method: clinical testing. Allele origin: germline.

Quest Diagnostics Nichols Institute San Juan Capistrano
Classification: Benign. Last evaluated: 2025-07-28. Review status: criteria provided, single submitter. Criteria: Quest Diagnostics criteria. Collection method: clinical testing. Allele origin: unknown.

ARUP Laboratories, Molecular Genetics and Genomics, ARUP Laboratories
Classification: Benign for Fanconi anemia complementation group A. Last evaluated: 2025-01-13. Review status: criteria provided, single submitter. Criteria: ARUP Molecular Germline Variant Investigation Process 2024. Collection method: clinical testing. Allele origin: germline.

Blueprint Genetics
Classification: Likely benign. Last evaluated: 2024-11-22. Review status: criteria provided, single submitter. Criteria: ACMG Guidelines, 2015. Collection method: clinical testing. Allele origin: germline.

KCCC/NGS Laboratory, Kuwait Cancer Control Center
Classification: Benign for Fanconi anemia complementation group A. Last evaluated: 2023-07-07. Review status: criteria provided, single submitter. Criteria: ACMG Guidelines, 2015. Collection method: clinical testing. Allele origin: germline. Affected: yes.

Genetic Services Laboratory, University of Chicago
Classification: Benign. Last evaluated: 2018-03-29. Review status: criteria provided, single submitter. Criteria: ACMG Guidelines, 2015. Collection method: clinical testing. Allele origin: germline. Affected: no.

Illumina Laboratory Services, Illumina
Classification: Benign for Fanconi anemia complementation group A. Last evaluated: 2018-01-12. Review status: criteria provided, single submitter. Criteria: ICSL Variant Classification Criteria 13 December 2019. Collection method: clinical testing. Allele origin: germline.
Comment: This variant was observed in the ICSL laboratory as part of a predisposition screen in an ostensibly healthy population. It had not been previously curated by ICSL or reported in the Human Gene Mutation Database (HGMD: prior to June 1st, 2018), and was therefore a candidate for classification through an automated scoring system. Utilizing variant allele frequency, disease prevalence and penetrance estimates, and inheritance mode, an automated score was calculated to assess if this variant is too frequent to cause the disease. Based on the score and internal cut-off values, a variant classified as benign is not then subjected to further curation. The score for this variant resulted in a classification of benign for this disease.

Natera, Inc.
Classification: Benign for Fanconi anemia, group A. Last evaluated: 2020-09-16. Review status: no assertion criteria provided. Collection method: clinical testing. Allele origin: germline. Not counted in ClinVar's aggregate classification.

NM_000135.4(FANCA):c.21G>T (p.Pro7=)

Genes: FANCA (FA complementation group A; minus strand), LOC112486223 (Sharpr-MPRA regulatory region 3988; plus strand). Cytogenetic location: 16q24.3.
Variant type: single nucleotide variant.
Coding change: c.21G>T on transcript NM_000135.4 (MANE Select); coding-DNA position 21, G replaced by T.
Protein change: p.Pro7=; no amino-acid change (proline 7 retained).
Molecular consequence: synonymous variant.
Genome position (GRCh38, 1-based): chr16:89,816,595, C>A on the plus strand (G>T on the coding strand, the complement: FANCA is on the minus strand). VCF-style: chr16-89816595-C-A. GRCh37 (hg19) VCF-style: chr16-89883003-C-A.
Other names: c.21G>T (LRG_495t1, NM_000135.3); c.21G>T, p.Pro7= (NM_001018112.3, NM_001286167.3, NM_001351830.2).
Identifiers: ClinVar variation 321376 (VCV000321376.27), dbSNP rs115856189, ClinGen allele CA8253276.